The following is an entry in ClinVar:

ClinVar aggregate classification (germline): Uncertain significance (1 of 4 stars; one submission).

gnomAD v4.1: 8 of 1,546,646 alleles (0.00052%); highest among the groups gnomAD compares: East Asian, 0.02%; no homozygotes.

Submission:

Labcorp Genetics (formerly Invitae), Labcorp
Classification: Uncertain significance. Last evaluated: 2021-08-11. Review status: criteria provided, single submitter. Criteria: Invitae Variant Classification Sherloc (09022015). Collection method: clinical testing. Allele origin: germline.
Comment: Algorithms developed to predict the effect of missense changes on protein structure and function (SIFT, PolyPhen-2, Align-GVGD) all suggest that this variant is likely to be tolerated, but these predictions have not been confirmed by published functional studies and their clinical significance is uncertain. In summary, the available evidence is currently insufficient to determine the role of this variant in disease. Therefore, it has been classified as a Variant of Uncertain Significance. This variant has not been reported in the literature in individuals with LOXHD1-related conditions. This variant is not present in population databases (ExAC no frequency). This sequence change replaces phenylalanine with valine at codon 849 of the LOXHD1 protein (p.Phe849Val). The phenylalanine residue is weakly conserved and there is a small physicochemical difference between phenylalanine and valine.

NM_001384474.1(LOXHD1):c.2545T>G (p.Phe849Val)

Gene: LOXHD1 (lipoxygenase homology PLAT domains 1; minus strand). Cytogenetic location: 18q21.1.
Variant type: single nucleotide variant.
Coding change: c.2545T>G on transcript NM_001384474.1 (MANE Select); coding-DNA position 2545, T replaced by G.
Protein change: p.Phe849Val; replaces phenylalanine 849 with valine.
Molecular consequence: missense variant.
Genome position (GRCh38, 1-based): chr18:46,563,118, A>C on the plus strand (T>G on the coding strand, the complement: LOXHD1 is on the minus strand). VCF-style: chr18-46563118-A-C. GRCh37 (hg19) VCF-style: chr18-44143081-A-C.
Other names: c.2545T>G, p.Phe849Val (NM_144612.7); short protein forms F849V.
Identifiers: ClinVar variation 1367091 (VCV001367091.7), dbSNP rs1336547898, ClinGen allele CA402372361.